The following is an entry in ClinVar:

NM_033380.3(COL4A5):c.3080G>A (p.Gly1027Glu)

Gene: COL4A5 (collagen type IV alpha 5 chain; plus strand). Cytogenetic location: Xq22.3.
Variant type: single nucleotide variant.
Coding change: c.3080G>A on transcript NM_033380.3 (MANE Select); coding-DNA position 3080, G replaced by A.
Protein change: p.Gly1027Glu; replaces glycine 1027 with glutamic acid.
Molecular consequence: missense variant.
Genome position (GRCh38, 1-based): chrX:108,625,768, G>A. VCF-style: chrX-108625768-G-A. GRCh37 (hg19) VCF-style: chrX-107868998-G-A.
Other names: c.3080G>A, p.Gly1027Glu (NM_000495.5); short protein forms G1027E.
Identifiers: ClinVar variation 1066731 (VCV001066731.9), dbSNP rs104886209, ClinGen allele CA413854690.

ClinVar aggregate classification (germline): Likely pathogenic (1 of 4 stars; one submission).

Submission:

Labcorp Genetics (formerly Invitae), Labcorp
Classification: Likely pathogenic. Last evaluated: 2020-09-11. Review status: criteria provided, single submitter. Criteria: Invitae Variant Classification Sherloc (09022015). Collection method: clinical testing. Allele origin: germline.
Comment: This variant has been observed in individual(s) with clinical features of Alport syndrome (Invitae). This variant is not present in population databases (ExAC no frequency). This sequence change replaces glycine with glutamic acid at codon 1027 of the COL4A5 protein (p.Gly1027Glu). The glycine residue is highly conserved and there is a moderate physicochemical difference between glycine and glutamic acid. Advanced modeling of protein sequence and biophysical properties (such as structural, functional, and spatial information, amino acid conservation, physicochemical variation, residue mobility, and thermodynamic stability) performed at Invitae indicates that this missense variant is expected to disrupt COL4A5 protein function. This variant disrupts the p.Gly1027 amino acid residue in COL4A5. Other variant(s) that disrupt this residue have been observed in individuals with COL4A5-related conditions (PMID: 15780079), which suggests that this may be a clinically significant amino acid residue. In summary, the currently available evidence indicates that the variant is pathogenic, but additional data are needed to prove that conclusively. Therefore, this variant has been classified as Likely Pathogenic. This variant disrupts the triple helix domain of COL4A5. Glycine residues within the Gly-Xaa-Yaa repeats of the triple helix domain are required for the structure and stability of fibrillar collagens (PMID: 7695699, 8218237, 19344236). In COL4A5, missense variants at these glycine residues are significantly enriched in individuals with disease (PMID: 23720012, 27627812) compared to the general population (ExAC).

Literature cited by the submitters: PubMed 15780079; PubMed 7695699; PubMed 8218237; PubMed 19344236; PubMed 23720012; PubMed 27627812.